The following is an entry in ClinVar:

NM_004407.4(DMP1):c.1068G>T (p.Gln356His)

Genes: DMP1 (dentin matrix acidic phosphoprotein 1; plus strand), DMP1-AS1 (DMP1 and DSPP antisense RNA 1; minus strand). Cytogenetic location: 4q22.1.
Variant type: single nucleotide variant.
Coding change: c.1068G>T on transcript NM_004407.4 (MANE Select); coding-DNA position 1068, G replaced by T.
Protein change: p.Gln356His; replaces glutamine 356 with histidine.
Molecular consequence: missense variant.
Genome position (GRCh38, 1-based): chr4:87,662,846, G>T. VCF-style: chr4-87662846-G-T. GRCh37 (hg19) VCF-style: chr4-88583998-G-T.
Other names: c.1020G>T, p.Gln340His (NM_001079911.3); short protein forms Q340H, Q356H.
Identifiers: ClinVar variation 2000781 (VCV002000781.4), dbSNP rs2475945264, ClinGen allele CA357700393.

ClinVar aggregate classification (germline): Uncertain significance (1 of 4 stars; one submission).

Allele frequency attached by ClinVar (database versions not stated): gnomAD exomes below 0.00001.
gnomAD v4.1: 4 of 1,613,484 alleles (0.00025%); highest among the groups gnomAD compares: Non-Finnish European, 0.00034%; no homozygotes.

Submission:

Labcorp Genetics (formerly Invitae), Labcorp
Classification: Uncertain significance. Last evaluated: 2022-11-08. Review status: criteria provided, single submitter. Criteria: Invitae Variant Classification Sherloc (09022015). Collection method: clinical testing. Allele origin: germline.
Comment: In summary, the available evidence is currently insufficient to determine the role of this variant in disease. Therefore, it has been classified as a Variant of Uncertain Significance. Advanced modeling of protein sequence and biophysical properties (such as structural, functional, and spatial information, amino acid conservation, physicochemical variation, residue mobility, and thermodynamic stability) performed at Invitae indicates that this missense variant is not expected to disrupt DMP1 protein function. This variant has not been reported in the literature in individuals affected with DMP1-related conditions. This variant is not present in population databases (gnomAD no frequency). This sequence change replaces glutamine, which is neutral and polar, with histidine, which is basic and polar, at codon 356 of the DMP1 protein (p.Gln356His).